The following is an entry in ClinVar:

NM_001385641.1(SAMD11):c.2080G>A (p.Gly694Arg)

Genes: SAMD11 (sterile alpha motif domain containing 11; plus strand), LOC129929063 (ATAC-STARR-seq lymphoblastoid active region 4; plus strand). Cytogenetic location: 1p36.33.
Variant type: single nucleotide variant.
Coding change: c.2080G>A on transcript NM_001385641.1 (MANE Select); coding-DNA position 2080, G replaced by A.
Protein change: p.Gly694Arg; replaces glycine 694 with arginine.
Molecular consequence: missense variant.
Genome position (GRCh38, 1-based): chr1:943,279, G>A. VCF-style: chr1-943279-G-A. GRCh37 (hg19) VCF-style: chr1-878659-G-A.
Other names: c.2083G>A, p.Gly695Arg (NM_001385640.1); c.1591G>A, p.Gly531Arg (NM_152486.4); short protein forms G531R, G694R, G695R.
Identifiers: ClinVar variation 1051947 (VCV001051947.6), dbSNP rs2100363426, ClinGen allele CA337815018.

ClinVar aggregate classification (germline): Uncertain significance (1 of 4 stars; one submission).

Submission:

Labcorp Genetics (formerly Invitae), Labcorp
Classification: Uncertain significance. Last evaluated: 2022-02-04. Review status: criteria provided, single submitter. Criteria: Invitae Variant Classification Sherloc (09022015). Collection method: clinical testing. Allele origin: germline.
Comment: This sequence change replaces glycine, which is neutral and non-polar, with arginine, which is basic and polar, at codon 531 of the SAMD11 protein (p.Gly531Arg). This variant is not present in population databases (gnomAD no frequency). This variant has not been reported in the literature in individuals affected with SAMD11-related conditions. ClinVar contains an entry for this variant (Variation ID: 1051947). Algorithms developed to predict the effect of missense changes on protein structure and function output the following: SIFT: "Deleterious"; PolyPhen-2: "Benign"; Align-GVGD: "Class C15". The arginine amino acid residue is found in multiple mammalian species, which suggests that this missense change does not adversely affect protein function. Algorithms developed to predict the effect of sequence changes on RNA splicing suggest that this variant may create or strengthen a splice site. In summary, the available evidence is currently insufficient to determine the role of this variant in disease. Therefore, it has been classified as a Variant of Uncertain Significance.